The following is an entry in ClinVar:

ClinVar aggregate classification (germline): Benign/Likely benign. Review status: criteria provided, multiple submitters, no conflicts (2 of 4 stars). 5 submissions from 5 submitters: Benign (1); Likely benign (3). 1 of the submissions does not count toward it. Last evaluated 2026-01-28.

Conditions:
PLEKHG5-related disorder. Also called: PLEKHG5-related condition.
Inborn genetic diseases. Identifiers: MedGen C0950123, MeSH D030342.
Neuronopathy, distal hereditary motor, autosomal recessive 4. Also called: NEUROPATHY, DISTAL HEREDITARY MOTOR, AUTOSOMAL RECESSIVE 4; Autosomal recessive lower motor neuron disease with childhood onset. Identifiers: Orphanet 206580, MedGen C1970211, MONDO:0012608, OMIM 611067.
Charcot-Marie-Tooth disease recessive intermediate C. Also called: CHARCOT-MARIE-TOOTH NEUROPATHY, RECESSIVE INTERMEDIATE C. Identifiers: Orphanet 369867, MedGen C3809309, MONDO:0014154, OMIM 615376.

Allele frequency attached by ClinVar (database versions not stated): gnomAD exomes 0.00038; ExAC 0.00048; 1000 Genomes Project 0.00120; ESP Exome Variant Server 0.00131; 1000 Genomes Project 30x 0.00141; gnomAD 0.00146 and 0.00158; TOPMed 0.00164.
gnomAD v4.1: 466 of 1,613,852 alleles (0.029%); highest among the groups gnomAD compares: African/African-American, 0.53%; no homozygotes.

Submissions (5):

Labcorp Genetics (formerly Invitae), Labcorp
Classification: Benign for Neuronopathy, distal hereditary motor, autosomal recessive 4; Charcot-Marie-Tooth disease recessive intermediate C. Last evaluated: 2026-01-28. Review status: criteria provided, single submitter. Criteria: Invitae Variant Classification Sherloc (09022015). Collection method: clinical testing. Allele origin: germline.

GeneDx
Classification: Likely benign. Last evaluated: 2021-06-15. Review status: criteria provided, single submitter. Criteria: GeneDx Variant Classification Process June 2021. Collection method: clinical testing. Allele origin: germline. Affected: yes.

Ambry Genetics
Classification: Likely benign for Inborn genetic diseases. Last evaluated: 2019-07-11. Review status: criteria provided, single submitter. Criteria: Ambry Variant Classification Scheme 2023. Collection method: clinical testing. Allele origin: germline.

Breakthrough Genomics
Classification: Likely benign. Review status: criteria provided, single submitter. Criteria: ACMG Guidelines, 2015. Collection method: not provided. Allele origin: germline. Inheritance: Autosomal recessive inheritance. Affected: yes.

PreventionGenetics, part of Exact Sciences
Classification: Likely benign for PLEKHG5-related condition. Last evaluated: 2019-06-06. Review status: no assertion criteria provided. Collection method: clinical testing. Allele origin: germline. Not counted in ClinVar's aggregate classification.
Comment: This variant is classified as likely benign based on ACMG/AMP sequence variant interpretation guidelines (Richards et al. 2015 PMID: 25741868, with internal and published modifications).

NM_020631.6(PLEKHG5):c.1896C>T (p.Leu632=)

Gene: PLEKHG5 (pleckstrin homology and RhoGEF domain containing G5; minus strand). Cytogenetic location: 1p36.31.
Variant type: single nucleotide variant.
Coding change: c.1896C>T on transcript NM_020631.6 (MANE Select); coding-DNA position 1896, C replaced by T.
Protein change: p.Leu632=; no amino-acid change (leucine 632 retained).
Molecular consequence: synonymous variant.
Genome position (GRCh38, 1-based): chr1:6,469,581, G>A on the plus strand (C>T on the coding strand, the complement: PLEKHG5 is on the minus strand). VCF-style: chr1-6469581-G-A. GRCh37 (hg19) VCF-style: chr1-6529641-G-A.
Other names: c.2007C>T, p.Leu669= (NM_001042663.3, NM_001265592.2); c.1896C>T, p.Leu632= (NM_001042664.2, NM_001042665.2, NM_001265594.3 and 1 more transcripts); c.2103C>T, p.Leu701= (NM_001265593.2).
Identifiers: ClinVar variation 386661 (VCV000386661.18), dbSNP rs61732221, ClinGen allele CA561323.